The following is an entry in ClinVar:

ClinVar aggregate classification (germline): Likely benign. Review status: criteria provided, multiple submitters, no conflicts (2 of 4 stars). 4 submissions from 4 submitters: Likely benign (3). 1 of the submissions does not count toward it. Last evaluated 2026-02-02.

Conditions:
AFG2A-related disorder. Also called: AFG2A-related condition.
Microcephaly-intellectual disability-sensorineural hearing loss-epilepsy-abnormal muscle tone syndrome (NEDHSB). Also called: NEURODEVELOPMENTAL DISORDER WITH HEARING LOSS, SEIZURES, AND BRAIN ABNORMALITIES. Identifiers: Orphanet 457351, MedGen C4225276, MONDO:0014698, OMIM 616577.

Allele frequency attached by ClinVar (database versions not stated): ExAC 0.00007; gnomAD exomes 0.00007; TOPMed 0.00009; gnomAD 0.00016.
gnomAD v4.1: 128 of 1,613,804 alleles (0.0079%); highest among the groups gnomAD compares: Non-Finnish European, 0.0087%; no homozygotes.

Submissions (4):

Labcorp Genetics (formerly Invitae), Labcorp
Classification: Likely benign for Microcephaly-intellectual disability-sensorineural hearing loss-epilepsy-abnormal muscle tone syndrome. Last evaluated: 2026-02-02. Review status: criteria provided, single submitter. Criteria: Invitae Variant Classification Sherloc (09022015). Collection method: clinical testing. Allele origin: germline.

CeGaT Center for Human Genetics Tuebingen
Classification: Likely benign. Last evaluated: 2025-12-01. Review status: criteria provided, single submitter. Criteria: CeGaT Center For Human Genetics Tuebingen Variant Classification Criteria Version 2. Collection method: clinical testing. Allele origin: germline. Affected: yes. Observed: 2 variant alleles.
Comment: AFG2A: BP4, BP7

Blueprint Genetics
Classification: Likely benign. Last evaluated: 2024-09-15. Review status: criteria provided, single submitter. Criteria: ACMG Guidelines, 2015. Collection method: clinical testing. Allele origin: germline.

PreventionGenetics, part of Exact Sciences
Classification: Likely benign for AFG2A-related condition. Last evaluated: 2019-05-09. Review status: no assertion criteria provided. Collection method: clinical testing. Allele origin: germline. Not counted in ClinVar's aggregate classification.
Comment: This variant is classified as likely benign based on ACMG/AMP sequence variant interpretation guidelines (Richards et al. 2015 PMID: 25741868, with internal and published modifications).

NM_145207.3(AFG2A):c.2055T>C (p.Ser685=)

Gene: AFG2A (AAA ATPase AFG2A; plus strand). Cytogenetic location: 4q28.1.
Variant type: single nucleotide variant.
Coding change: c.2055T>C on transcript NM_145207.3 (MANE Select); coding-DNA position 2055, T replaced by C.
Protein change: p.Ser685=; no amino-acid change (serine 685 retained).
Molecular consequence: synonymous variant.
Genome position (GRCh38, 1-based): chr4:123,028,371, T>C. VCF-style: chr4-123028371-T-C. GRCh37 (hg19) VCF-style: chr4-123949526-T-C.
Other names: c.2052T>C, p.Ser684= (NM_001317799.2, NM_001345856.2); c.2055T>C (NM_145207.2).
Identifiers: ClinVar variation 1132141 (VCV001132141.32), dbSNP rs759889755, ClinGen allele CA3070608.